The following is an entry in ClinVar:

ClinVar aggregate classification (germline): Uncertain significance. Review status: criteria provided, multiple submitters, no conflicts (2 of 4 stars). 2 submissions from 2 submitters: Uncertain significance (2). Last evaluated 2022-12-07.

Conditions:
Cardiovascular phenotype. Identifiers: MedGen CN230736.
Hereditary cancer-predisposing syndrome. Also called: Hereditary neoplastic syndrome; Neoplastic Syndromes, Hereditary; Hereditary Cancer Syndrome; Tumor predisposition. Identifiers: Orphanet 140162, MedGen C0027672, MeSH D009386, MONDO:0015356.
Neurofibromatosis, type 1 (NF1). Also called: VON RECKLINGHAUSEN DISEASE; Neurofibromatosis, type I; NEUROFIBROMATOSIS, TYPE I, SOMATIC; Peripheral type neurofibromatosis. Identifiers: Orphanet 636, MedGen C0027831, MONDO:0018975, OMIM 162200. Disease mechanism: loss of function.

Submissions (2):

Labcorp Genetics (formerly Invitae), Labcorp
Classification: Uncertain significance for Neurofibromatosis, type 1. Last evaluated: 2022-12-07. Review status: criteria provided, single submitter. Criteria: Invitae Variant Classification Sherloc (09022015). Collection method: clinical testing. Allele origin: germline.
Comment: This sequence change replaces alanine, which is neutral and non-polar, with threonine, which is neutral and polar, at codon 683 of the NF1 protein (p.Ala683Thr). This variant is not present in population databases (gnomAD no frequency). This variant has not been reported in the literature in individuals affected with NF1-related conditions. ClinVar contains an entry for this variant (Variation ID: 1391470). Advanced modeling of protein sequence and biophysical properties (such as structural, functional, and spatial information, amino acid conservation, physicochemical variation, residue mobility, and thermodynamic stability) performed at Invitae indicates that this missense variant is expected to disrupt NF1 protein function. In summary, the available evidence is currently insufficient to determine the role of this variant in disease. Therefore, it has been classified as a Variant of Uncertain Significance.

Ambry Genetics
Classification: Uncertain significance for Cardiovascular phenotype; Hereditary cancer-predisposing syndrome. Last evaluated: 2022-10-20. Review status: criteria provided, single submitter. Criteria: Ambry Variant Classification Scheme 2023. Collection method: clinical testing. Allele origin: germline.
Comment: The p.A683T variant (also known as c.2047G>A), located in coding exon 18 of the NF1 gene, results from a G to A substitution at nucleotide position 2047. The alanine at codon 683 is replaced by threonine, an amino acid with similar properties. This amino acid position is conserved. In addition, this alteration is predicted to be deleterious by in silico analysis. Since supporting evidence is limited at this time, the clinical significance of this alteration remains unclear.

NM_001042492.3(NF1):c.2047G>A (p.Ala683Thr)

Gene: NF1 (neurofibromin 1; plus strand). Cytogenetic location: 17q11.2.
Variant type: single nucleotide variant.
Coding change: c.2047G>A on transcript NM_001042492.3 (MANE Select); coding-DNA position 2047, G replaced by A.
Protein change: p.Ala683Thr; replaces alanine 683 with threonine.
Molecular consequence: missense variant.
Genome position (GRCh38, 1-based): chr17:31,226,480, G>A. VCF-style: chr17-31226480-G-A. GRCh37 (hg19) VCF-style: chr17-29553498-G-A.
Other names: c.2047G>A, p.Ala683Thr (NM_000267.4); short protein forms A683T.
Identifiers: ClinVar variation 1391470 (VCV001391470.8), dbSNP rs2151425636, ClinGen allele CA398982075.